The following is an entry in ClinVar:

ClinVar aggregate classification (germline): Likely benign (0 of 4 stars; one submission).

Conditions:
ACTN3-related disorder. Also called: ACTN3-related condition.

Allele frequency attached by ClinVar (database versions not stated): ESP Exome Variant Server 0.00031; TOPMed 0.00077; gnomAD 0.00082; ExAC 0.00098; 1000 Genomes Project 0.00120; gnomAD exomes 0.00121; 1000 Genomes Project 30x 0.00187.
gnomAD v4.1: 1,882 of 1,611,858 alleles (0.12%); highest among the groups gnomAD compares: Non-Finnish European, 0.13%; 1 homozygote.

Submission:

PreventionGenetics, part of Exact Sciences
Classification: Likely benign for ACTN3-related condition. Last evaluated: 2019-03-20. Review status: no assertion criteria provided. Collection method: clinical testing. Allele origin: germline.
Comment: This variant is classified as likely benign based on ACMG/AMP sequence variant interpretation guidelines (Richards et al. 2015 PMID: 25741868, with internal and published modifications).

NM_001104.4(ACTN3):c.1692G>A (p.Ala564=)

Gene: ACTN3 (actinin alpha 3; plus strand). Cytogenetic location: 11q13.2.
Variant type: single nucleotide variant.
Coding change: c.1692G>A on transcript NM_001104.4 (MANE Select); coding-DNA position 1692, G replaced by A.
Protein change: p.Ala564=; no amino-acid change (alanine 564 retained).
Molecular consequence: synonymous variant.
Genome position (GRCh38, 1-based): chr11:66,560,587, G>A. VCF-style: chr11-66560587-G-A. GRCh37 (hg19) VCF-style: chr11-66328058-G-A.
Other names: c.1821G>A, p.Ala607= (NM_001258371.3).
Identifiers: ClinVar variation 3035538 (VCV003035538.2), dbSNP rs192180462, ClinGen allele CA6124831.
Genomic context (GRCh38, chr11:66,560,587, plus strand): 5'-GGTAAGTGGGGGACACCAGCTGACACTTCCTGCCTGTCGTCCCCAGAGCCTGCTGACAGC[G>A]CACGATCAGTTCAAGGCAACACTGCCCGAGGCTGACCGAGAGCGAGGTGCCATCATGGGC-3'
Protein context (NP_001095.2, residues 554-574): SVEETQSLLT[Ala564=]HDQFKATLPE